The following is an entry in ClinVar:

ClinVar aggregate classification (germline): Uncertain significance. Review status: criteria provided, multiple submitters, no conflicts (2 of 4 stars). 2 submissions from 2 submitters: Uncertain significance (2). Last evaluated 2023-12-24.

gnomAD v4.1: 9 of 1,593,668 alleles (0.00056%); highest among the groups gnomAD compares: Non-Finnish European, 0.00077%; no homozygotes.

Submissions (2):

Ambry Genetics
Classification: Uncertain significance. Last evaluated: 2023-12-24. Review status: criteria provided, single submitter. Criteria: Ambry Variant Classification Scheme 2023. Collection method: clinical testing. Allele origin: germline.
Comment: The p.L23F variant (also known as c.67C>T), located in coding exon 1 of the FAM175A gene, results from a C to T substitution at nucleotide position 67. The leucine at codon 23 is replaced by phenylalanine, an amino acid with highly similar properties. This amino acid position is conserved. In addition, this alteration is predicted to be tolerated by in silico analysis. Since supporting evidence is limited at this time, the clinical significance of this alteration remains unclear.

Labcorp Genetics (formerly Invitae), Labcorp
Classification: Uncertain significance. Last evaluated: 2023-04-06. Review status: criteria provided, single submitter. Criteria: Invitae Variant Classification Sherloc (09022015). Collection method: clinical testing. Allele origin: germline.
Comment: Advanced modeling of protein sequence and biophysical properties (such as structural, functional, and spatial information, amino acid conservation, physicochemical variation, residue mobility, and thermodynamic stability) performed at Invitae indicates that this missense variant is not expected to disrupt ABRAXAS1 protein function. In summary, the available evidence is currently insufficient to determine the role of this variant in disease. Therefore, it has been classified as a Variant of Uncertain Significance. ClinVar contains an entry for this variant (Variation ID: 638822). This sequence change replaces leucine, which is neutral and non-polar, with phenylalanine, which is neutral and non-polar, at codon 23 of the ABRAXAS1 protein (p.Leu23Phe). This variant is not present in population databases (gnomAD no frequency). This variant has not been reported in the literature in individuals affected with ABRAXAS1-related conditions.

NM_139076.3(ABRAXAS1):c.67C>T (p.Leu23Phe)

Genes: ABRAXAS1 (abraxas 1, BRCA1 A complex subunit; minus strand), LOC129992784 (ATAC-STARR-seq lymphoblastoid silent region 15542; plus strand). Cytogenetic location: 4q21.23.
Variant type: single nucleotide variant.
Coding change: c.67C>T on transcript NM_139076.3 (MANE Select); coding-DNA position 67, C replaced by T.
Protein change: p.Leu23Phe; replaces leucine 23 with phenylalanine.
Molecular consequence: missense variant. On other transcripts: 5 prime UTR variant (1).
Genome position (GRCh38, 1-based): chr4:83,485,006, G>A on the plus strand (C>T on the coding strand, the complement: ABRAXAS1 is on the minus strand). VCF-style: chr4-83485006-G-A. GRCh37 (hg19) VCF-style: chr4-84406159-G-A.
Other names: c.-194C>T (NM_001345962.2); short protein forms L23F.
Identifiers: ClinVar variation 638822 (VCV000638822.11), dbSNP rs1396500613, ClinGen allele CA357263927.